The following is an entry in ClinVar:

NM_005883.3(APC2):c.4616G>C (p.Arg1539Pro)

Gene: APC2 (APC regulator of Wnt signaling pathway 2; plus strand). Cytogenetic location: 19p13.3.
Variant type: single nucleotide variant.
Coding change: c.4616G>C on transcript NM_005883.3 (MANE Select); coding-DNA position 4616, G replaced by C.
Protein change: p.Arg1539Pro; replaces arginine 1539 with proline.
Molecular consequence: missense variant.
Genome position (GRCh38, 1-based): chr19:1,467,917, G>C. VCF-style: chr19-1467917-G-C. GRCh37 (hg19) VCF-style: chr19-1467916-G-C.
Other names: c.4613G>C, p.Arg1538Pro (NM_001351273.1); short protein forms R1539P, R1538P.
Identifiers: ClinVar variation 1028956 (VCV001028956.8), dbSNP rs367655515, ClinGen allele CA9045869.
Genomic context (GRCh38, chr19:1,467,917, plus strand): 5'-CGGCGGCCGCGCCCACGCCAACCCACCGGCGCACATCGGCCATCCCTCGCGCTTTTACGC[G>C]GGAGCGTCCGCAGGGCCGGAAGGAGGCCCCTGCCCCGTCCAAGGCTGCACCAGCTGCCCC-3'
Protein context (NP_005874.1, residues 1529-1549): RTSAIPRAFT[Arg1539Pro]ERPQGRKEAP

ClinVar aggregate classification (germline): Uncertain significance. Review status: criteria provided, multiple submitters, no conflicts (2 of 4 stars). 4 submissions from 4 submitters: Uncertain significance (4). Last evaluated 2025-10-08.

Conditions:
Intellectual developmental disorder, autosomal recessive 74 (MRT74). Also called: Sotos syndrome 3. Identifiers: MedGen C4310684, MONDO:0014951, OMIM 617169.
Cortical dysplasia, complex, with other brain malformations 10. Identifiers: MedGen C5231458, MONDO:0032866, OMIM 618677.
Inborn genetic diseases. Identifiers: MedGen C0950123, MeSH D030342.

Allele frequency attached by ClinVar (database versions not stated): TOPMed 0.00007; ExAC 0.00014; ESP Exome Variant Server 0.00017.
gnomAD v4.1: 188 of 1,584,240 alleles (0.012%); highest among the groups gnomAD compares: Middle Eastern, 0.18%; 1 homozygote.

Submissions (4):

Labcorp Genetics (formerly Invitae), Labcorp
Classification: Uncertain significance. Last evaluated: 2025-10-08. Review status: criteria provided, single submitter. Criteria: Invitae Variant Classification Sherloc (09022015). Collection method: clinical testing. Allele origin: germline.
Comment: This sequence change replaces arginine, which is basic and polar, with proline, which is neutral and non-polar, at codon 1539 of the APC2 protein (p.Arg1539Pro). This variant is present in population databases (rs367655515, gnomAD 0.05%). This variant has not been reported in the literature in individuals affected with APC2-related conditions. ClinVar contains an entry for this variant (Variation ID: 1028956). Invitae Evidence Modeling of protein sequence and biophysical properties (such as structural, functional, and spatial information, amino acid conservation, physicochemical variation, residue mobility, and thermodynamic stability) indicates that this missense variant is not expected to disrupt APC2 protein function with a negative predictive value of 80%. In summary, the available evidence is currently insufficient to determine the role of this variant in disease. Therefore, it has been classified as a Variant of Uncertain Significance.

Ambry Genetics
Classification: Uncertain significance for Inborn genetic diseases. Last evaluated: 2025-08-24. Review status: criteria provided, single submitter. Criteria: Ambry Variant Classification Scheme 2023. Collection method: clinical testing. Allele origin: germline.

Fulgent Genetics
Classification: Uncertain significance for Intellectual developmental disorder, autosomal recessive 74; Cortical dysplasia, complex, with other brain malformations 10. Last evaluated: 2024-03-26. Review status: criteria provided, single submitter. Criteria: ACMG Guidelines, 2015. Collection method: clinical testing. Allele origin: germline.

Baylor Genetics
Classification: Uncertain significance for Intellectual developmental disorder, autosomal recessive 74. Last evaluated: 2019-11-26. Review status: criteria provided, single submitter. Criteria: ACMG Guidelines, 2015. Collection method: clinical testing. Allele origin: unknown. Affected: yes.
Comment: This variant was determined to be of uncertain significance according to ACMG Guidelines, 2015 [PMID:25741868].